The following is an entry in ClinVar:

ClinVar aggregate classification (germline): Conflicting classifications of pathogenicity. Review status: criteria provided, conflicting classifications (1 of 4 stars). 3 submissions from 3 submitters: Uncertain significance (1); Likely benign (2). Last evaluated 2024-02-11.

Conditions:
Genitopatellar syndrome (GTPTS). Also called: ABSENT PATELLAE, SCROTAL HYPOPLASIA, RENAL ANOMALIES, FACIAL DYSMORPHISM, AND MENTAL RETARDATION; Genitopatellar syndrome (GPS). Identifiers: Orphanet 85201, MedGen C1853566, MONDO:0011640, OMIM 606170.
Blepharophimosis - intellectual disability syndrome, SBBYS type (SBBYSS). Also called: Ohdo syndrome, SBBYS variant; SBBYSS syndrome; Say-Barber-Biesecker-Young-Simpson syndrome; Say-Barber-Biesecker-Young-Simpson variant of Ohdo Syndrome; Say-Barber-Biesecker Variant of Ohdo Syndrome; Young Simpson syndrome. Identifiers: Orphanet 3047, MedGen C1863557, MONDO:0011365, OMIM 603736.

Allele frequency attached by ClinVar (database versions not stated): ExAC 0.00001; gnomAD exomes 0.00001; gnomAD 0.00002; TOPMed 0.00002.
gnomAD v4.1: 23 of 1,608,980 alleles (0.0014%); highest among the groups gnomAD compares: African/African-American, 0.0027%; no homozygotes.

Submissions (3):

Fulgent Genetics
Classification: Uncertain significance for Blepharophimosis - intellectual disability syndrome, SBBYS type; Genitopatellar syndrome. Last evaluated: 2024-02-11. Review status: criteria provided, single submitter. Criteria: ACMG Guidelines, 2015. Collection method: clinical testing. Allele origin: germline.

Labcorp Genetics (formerly Invitae), Labcorp
Classification: Likely benign for Genitopatellar syndrome. Last evaluated: 2023-12-19. Review status: criteria provided, single submitter. Criteria: Invitae Variant Classification Sherloc (09022015). Collection method: clinical testing. Allele origin: germline.

CeGaT Center for Human Genetics Tuebingen
Classification: Likely benign. Last evaluated: 2023-10-01. Review status: criteria provided, single submitter. Criteria: CeGaT Center For Human Genetics Tuebingen Variant Classification Criteria Version 2. Collection method: clinical testing. Allele origin: germline. Affected: yes. Observed: 1 variant allele.
Comment: KAT6B: BS2

NM_012330.4(KAT6B):c.5693G>A (p.Arg1898Gln)

Gene: KAT6B (lysine acetyltransferase 6B; plus strand). Cytogenetic location: 10q22.2.
Variant type: single nucleotide variant.
Coding change: c.5693G>A on transcript NM_012330.4 (MANE Select); coding-DNA position 5693, G replaced by A.
Protein change: p.Arg1898Gln; replaces arginine 1898 with glutamine.
Molecular consequence: missense variant.
Genome position (GRCh38, 1-based): chr10:75,030,517, G>A. VCF-style: chr10-75030517-G-A. GRCh37 (hg19) VCF-style: chr10-76790275-G-A.
Other names: c.5144G>A, p.Arg1715Gln (NM_001256468.2, NM_001370138.1); c.4817G>A, p.Arg1606Gln (NM_001256469.2, NM_001370139.1, NM_001370140.1 and 2 more transcripts); c.4655G>A, p.Arg1552Gln (NM_001370132.1); c.4004G>A, p.Arg1335Gln (NM_001370133.1); c.3608G>A, p.Arg1203Gln (NM_001370134.1); c.3350G>A, p.Arg1117Gln (NM_001370135.1); c.5693G>A, p.Arg1898Gln (NM_001370136.1, NM_001370137.1); c.4628G>A, p.Arg1543Gln (NM_001370143.1, NM_001370144.1); short protein forms R1203Q, R1552Q, R1898Q, R1117Q, R1606Q, R1715Q, R1543Q, R1335Q.
Identifiers: ClinVar variation 2146038 (VCV002146038.29), dbSNP rs749834266, ClinGen allele CA5565238.